The following is an entry in ClinVar:

NM_016169.4(SUFU):c.55_69dup (p.Pro23_Pro24insGlyProThrAlaPro)

Genes: SUFU (SUFU negative regulator of hedgehog signaling; plus strand), LOC130004614 (ATAC-STARR-seq lymphoblastoid silent region 2764; plus strand). Cytogenetic location: 10q24.32.
Variant type: Duplication.
Coding change: c.55_69dup on transcript NM_016169.4 (MANE Select); coding-DNA positions 55 to 69, 15 bases duplicated (GGCCCGACTGCCCCC).
Protein change: p.Pro23_Pro24insGlyProThrAlaPro.
Molecular consequence: inframe insertion.
Genome position (GRCh38, 1-based): chr10:102,504,207-102,504,221, GGCCCGACTGCCCCC duplicated. VCF-style (leftmost placement, unchanged base first): chr10-102504206-T-TGGCCCGACTGCCCCC. GRCh37 (hg19) VCF-style: chr10-104263963-T-TGGCCCGACTGCCCCC.
Other names: c.55_69dup, p.Pro23_Pro24insGlyProThrAlaPro (NM_001178133.2); c.55_69dupGGCCCGACTGCCCCC (NM_016169.3).
Identifiers: ClinVar variation 2928291 (VCV002928291.4), dbSNP rs2544830502, ClinGen allele CA2740093513.
Genomic context (GRCh38, chr10:102,504,206, plus strand): 5'-CACCCCGATGGCGGAGCTGCGGCCTAGCGGCGCCCCCGGCCCCACCGCGCCCCCGGCCCC[T>TGGCCCGACTGCCCCC]GGCCCGACTGCCCCCCCGGCCTTCGCTTCGCTCTTTCCCCCGGGACTGCACGCCATCTAC-3'

ClinVar aggregate classification (germline): Uncertain significance. Review status: criteria provided, multiple submitters, no conflicts (2 of 4 stars). 2 submissions from 2 submitters: Uncertain significance (2). Last evaluated 2026-01-27.

Conditions:
Gorlin syndrome. Also called: Nevoid Basal Cell Carcinoma Syndrome; Basal cell nevus syndrome. Identifiers: Orphanet 377, MedGen C0004779, MONDO:0007187.
Medulloblastoma (MDB). Also called: MEDULLOBLASTOMA PREDISPOSITION SYNDROME; Medulloblastoma, somatic. Identifiers: Orphanet 616, MedGen C0025149, MeSH D008527, MONDO:0007959, OMIM 155255, HP:0002885.
Hereditary cancer-predisposing syndrome. Also called: Tumor predisposition; Neoplastic Syndromes, Hereditary; Hereditary Cancer Syndrome; Hereditary neoplastic syndrome. Identifiers: Orphanet 140162, MedGen C0027672, MeSH D009386, MONDO:0015356.

Submissions (2):

Ambry Genetics
Classification: Uncertain significance for Hereditary cancer-predisposing syndrome. Last evaluated: 2026-01-27. Review status: criteria provided, single submitter. Criteria: Ambry Variant Classification Scheme 2023. Collection method: clinical testing. Allele origin: germline.
Comment: The c.55_69dup15 variant (also known as p.G19_P23dup), located in coding exon 1 of the SUFU gene, results from an in-frame duplication of 15 nucleotides at nucleotide positions 55 to 69. This results in the duplication of 5 extra residues (GPTAP) between codons 19 and 23. In addition, this variant is predicted to be neutral by in silico analysis (Choi Y et al. PLoS ONE. 2012; 7(10):e46688). Based on the available evidence, the clinical significance of this variant remains unclear.

Labcorp Genetics (formerly Invitae), Labcorp
Classification: Uncertain significance for Gorlin syndrome; Medulloblastoma. Last evaluated: 2025-06-29. Review status: criteria provided, single submitter. Criteria: Invitae Variant Classification Sherloc (09022015). Collection method: clinical testing. Allele origin: germline.
Comment: This variant, c.55_69dup, results in the insertion of 5 amino acid(s) of the SUFU protein (p.Gly19_Pro23dup), but otherwise preserves the integrity of the reading frame. This variant is not present in population databases (gnomAD no frequency). This variant has not been reported in the literature in individuals affected with SUFU-related conditions. ClinVar contains an entry for this variant (Variation ID: 2928291). In summary, the available evidence is currently insufficient to determine the role of this variant in disease. Therefore, it has been classified as a Variant of Uncertain Significance.